The following is an entry in ClinVar:

ClinVar aggregate classification (germline): Benign/Likely benign. Review status: criteria provided, multiple submitters, no conflicts (2 of 4 stars). 2 submissions from 2 submitters: Benign (1); Likely benign (1). Last evaluated 2024-12-26.

Conditions:
Hereditary cancer-predisposing syndrome. Also called: Neoplastic Syndromes, Hereditary; Tumor predisposition; Hereditary Cancer Syndrome; Hereditary neoplastic syndrome. Identifiers: Orphanet 140162, MedGen C0027672, MeSH D009386, MONDO:0015356.
Lynch syndrome 5 (LYNCH5). Also called: Colorectal cancer, hereditary nonpolyposis, type 5; Hereditary non-polyposis colorectal cancer, type 5. Identifiers: Orphanet 144, MedGen C1833477, MONDO:0013710, OMIM 614350. Disease mechanism: loss of function.

Allele frequency attached by ClinVar (database versions not stated): gnomAD exomes below 0.00001.
gnomAD v4.1: 1 of 1,613,948 alleles (0.000062%); highest among the groups gnomAD compares: Non-Finnish European, 0.000085%; no homozygotes.

Submissions (2):

Myriad Genetics, Inc.
Classification: Benign for Lynch syndrome 5. Last evaluated: 2024-12-26. Review status: criteria provided, single submitter. Criteria: Myriad Autosomal Dominant, Autosomal Recessive and X-Linked Classification Criteria (2023). Collection method: clinical testing. Allele origin: unknown.
Comment: This variant is considered benign. This variant is a silent/synonymous amino acid change and it is not expected to impact splicing.

Ambry Genetics
Classification: Likely benign for Hereditary cancer-predisposing syndrome. Last evaluated: 2014-12-16. Review status: criteria provided, single submitter. Criteria: Ambry Variant Classification Scheme 2023. Collection method: clinical testing. Allele origin: germline.

NM_000179.3(MSH6):c.1305G>T (p.Leu435=)

Gene: MSH6 (mutS homolog 6; plus strand). Cytogenetic location: 2p16.3.
Variant type: single nucleotide variant.
Coding change: c.1305G>T on transcript NM_000179.3 (MANE Select); coding-DNA position 1305, G replaced by T.
Protein change: p.Leu435=; no amino-acid change (leucine 435 retained).
Molecular consequence: synonymous variant.
Genome position (GRCh38, 1-based): chr2:47,799,288, G>T. VCF-style: chr2-47799288-G-T. GRCh37 (hg19) VCF-style: chr2-48026427-G-T.
Other names: c.915G>T, p.Leu305= (NM_001281492.2); c.399G>T, p.Leu133= (NM_001281493.2, NM_001281494.2).
Identifiers: ClinVar variation 187530 (VCV000187530.6), dbSNP rs786203803, ClinGen allele CA008477.